The following is an entry in ClinVar:

NM_020820.4(PREX1):c.1635G>A (p.Gly545=)

Gene: PREX1 (phosphatidylinositol-3,4,5-trisphosphate dependent Rac exchange factor 1; minus strand). Cytogenetic location: 20q13.13.
Variant type: single nucleotide variant.
Coding change: c.1635G>A on transcript NM_020820.4 (MANE Select); coding-DNA position 1635, G replaced by A.
Protein change: p.Gly545=; no amino-acid change (glycine 545 retained).
Molecular consequence: synonymous variant.
Genome position (GRCh38, 1-based): chr20:48,676,223, C>T on the plus strand (G>A on the coding strand, the complement: PREX1 is on the minus strand). VCF-style: chr20-48676223-C-T. GRCh37 (hg19) VCF-style: chr20-47292761-C-T.
Identifiers: ClinVar variation 2652380 (VCV002652380.24), dbSNP rs141743214, ClinGen allele CA9897511.
Genomic context (GRCh38, chr20:48,676,223, plus strand): 5'-CTGGTCACACACCCCTGAGGAGGCCCTCACCTGAGCCAGCAGCCAGTCCACCAGCTTGCT[C>T]CCGGGAAGCACTGACTTGTAGGTCTTCAGGTGGTAATCACGGTCTCTGTGGAGAAGGTGA-3'
Protein context (NP_065871.3, residues 535-555): HLKTYKSVLP[Gly545=]SKLVDWLLAQ

ClinVar aggregate classification (germline): Likely benign (1 of 4 stars; one submission).

Allele frequency attached by ClinVar (database versions not stated): TOPMed 0.00053; 1000 Genomes Project 0.00060; 1000 Genomes Project 30x 0.00062; gnomAD 0.00066; gnomAD exomes 0.00083; ESP Exome Variant Server 0.00085; ExAC 0.00115.
gnomAD v4.1: 1,307 of 1,614,078 alleles (0.081%); highest among the groups gnomAD compares: South Asian, 0.27%; 6 homozygotes.

Submission:

CeGaT Center for Human Genetics Tuebingen
Classification: Likely benign. Last evaluated: 2022-10-01. Review status: criteria provided, single submitter. Criteria: CeGaT Center For Human Genetics Tuebingen Variant Classification Criteria Version 2. Collection method: clinical testing. Allele origin: germline. Affected: yes. Observed: 1 variant allele.
Comment: PREX1: BP4, BP7